The following is an entry in ClinVar:

ClinVar aggregate classification (germline): Uncertain significance (1 of 4 stars; one submission).

Conditions:
Hereditary cancer-predisposing syndrome. Also called: Hereditary neoplastic syndrome; Neoplastic Syndromes, Hereditary; Tumor predisposition; Hereditary Cancer Syndrome. Identifiers: Orphanet 140162, MedGen C0027672, MeSH D009386, MONDO:0015356.

Submission:

Ambry Genetics
Classification: Uncertain significance for Hereditary cancer-predisposing syndrome. Last evaluated: 2025-09-10. Review status: criteria provided, single submitter. Criteria: Ambry Variant Classification Scheme 2023. Collection method: clinical testing. Allele origin: germline.
Comment: The p.M178I variant (also known as c.534G>A), located in coding exon 6 of the RAD51D gene, results from a G to A substitution at nucleotide position 534. The methionine at codon 178 is replaced by isoleucine, an amino acid with highly similar properties. This amino acid position is well conserved in available vertebrate species. In addition, this alteration is predicted to be tolerated by in silico analysis. Based on the available evidence, the clinical significance of this variant remains unclear.

NM_002878.4(RAD51D):c.534G>A (p.Met178Ile)

Genes: RAD51D (RAD51 paralog D; minus strand), RAD51L3-RFFL (RAD51L3-RFFL readthrough; minus strand). Cytogenetic location: 17q12.
Variant type: single nucleotide variant.
Coding change: c.534G>A on transcript NM_002878.4 (MANE Select); coding-DNA position 534, G replaced by A.
Protein change: p.Met178Ile; replaces methionine 178 with isoleucine.
Molecular consequence: missense variant. On other transcripts: non-coding transcript variant (3).
Genome position (GRCh38, 1-based): chr17:35,106,428, C>T on the plus strand (G>A on the coding strand, the complement: RAD51D is on the minus strand). VCF-style: chr17-35106428-C-T. GRCh37 (hg19) VCF-style: chr17-33433447-C-T.
Other names: c.594G>A, p.Met198Ile (NM_001142571.2); c.198G>A, p.Met66Ile (NM_133629.3); short protein forms M66I, M178I, M198I.
Identifiers: ClinVar variation 4149919 (VCV004149919.1).
Genomic context (GRCh38, chr17:35,106,428, plus strand): 5'-GCAGAACAGCAGGCTCACCTGCTGGGCCACAGTGCCTCGGAGCTCCTGCAGCACATCCAG[C>T]ATCTGGAAGATGTCAAATGCATGCACCACCTGGATCCTCCGGAGAGCTTCTGCCTGAAGC-3'
Protein context (NP_002869.3, residues 168-188): QVVHAFDIFQ[Met178Ile]LDVLQELRGT